The following is an entry in ClinVar:

NC_000009.11:g.(?_6587131)_(6595129_?)dup

Gene: GLDC (glycine decarboxylase; minus strand). Cytogenetic location: 9p24.1.
Variant type: Duplication.
Identifiers: ClinVar variation 1492551 (VCV001492551.7).

ClinVar aggregate classification (germline): Likely pathogenic (1 of 4 stars; one submission).

Conditions:
Glycine encephalopathy. Also called: Non-ketotic hyperglycinemia; Nonketotic hyperglycinemia. Identifiers: Orphanet 407, MedGen C0751748, MONDO:0011612, HP:0008288.

Submission:

Labcorp Genetics (formerly Invitae), Labcorp
Classification: Likely pathogenic for Glycine encephalopathy. Last evaluated: 2020-11-14. Review status: criteria provided, single submitter. Criteria: Invitae Variant Classification Sherloc (09022015). Collection method: clinical testing. Allele origin: germline.
Comment: In summary, the currently available evidence indicates that the variant is pathogenic, but additional data are needed to prove that conclusively. Therefore, this variant has been classified as Likely Pathogenic. This variant has not been reported in the literature in individuals with GLDC-related conditions. This variant results in a copy number gain of the genomic region encompassing exon(s) 9-15 of the GLDC gene. While the exact position of this variant cannot be determined from the data, sub-genic copy number gains are generally in tandem (PMID: 25640679). This variant is predicted to be out-of-frame, and may result in an absent or disrupted protein product. Loss-of-function variants in GLDC are known to be pathogenic (PMID: 16601880).

Literature cited by the submitters: PubMed 25640679; PubMed 16601880.